The following is an entry in ClinVar:

NM_017934.7(PHIP):c.580A>T (p.Thr194Ser)

Gene: PHIP (PHIP subunit of CUL4-Ring ligase complex; minus strand). Cytogenetic location: 6q14.1.
Variant type: single nucleotide variant.
Coding change: c.580A>T on transcript NM_017934.7 (MANE Select); coding-DNA position 580, A replaced by T.
Protein change: p.Thr194Ser; replaces threonine 194 with serine.
Molecular consequence: missense variant.
Genome position (GRCh38, 1-based): chr6:79,042,863, T>A on the plus strand (A>T on the coding strand, the complement: PHIP is on the minus strand). VCF-style: chr6-79042863-T-A. GRCh37 (hg19) VCF-style: chr6-79752580-T-A.
Other names: c.580A>T (NM_017934.5); short protein forms T194S.
Identifiers: ClinVar variation 3027244 (VCV003027244.23), dbSNP rs1224232923, ClinGen allele CA364642948.

ClinVar aggregate classification (germline): Uncertain significance. Review status: criteria provided, multiple submitters, no conflicts (2 of 4 stars). 2 submissions from 2 submitters: Uncertain significance (2). Last evaluated 2026-03-16.

gnomAD v4.1: 16 of 1,601,820 alleles (0.001%); highest among the groups gnomAD compares: Non-Finnish European, 0.0014%; no homozygotes.

Submissions (2):

GeneDx
Classification: Uncertain significance. Last evaluated: 2026-03-16. Review status: criteria provided, single submitter. Criteria: GeneDx Variant Classification Process June 2021. Collection method: clinical testing. Allele origin: germline.
Comment: Not observed at significant frequency in large population cohorts (gnomAD); In silico analysis supports that this missense variant has a deleterious effect on protein structure/function; Has not been previously published as pathogenic or benign to our knowledge

CeGaT Center for Human Genetics Tuebingen
Classification: Uncertain significance. Last evaluated: 2024-02-01. Review status: criteria provided, single submitter. Criteria: CeGaT Center For Human Genetics Tuebingen Variant Classification Criteria Version 2. Collection method: clinical testing. Allele origin: germline. Affected: yes. Observed: 1 variant allele.
Comment: PHIP: PM2, PP2